The following is an entry in ClinVar:

NM_024642.5(GALNT12):c.197C>T (p.Pro66Leu)

Gene: GALNT12 (polypeptide N-acetylgalactosaminyltransferase 12; plus strand). Cytogenetic location: 9q22.33.
Variant type: single nucleotide variant.
Coding change: c.197C>T on transcript NM_024642.5 (MANE Select); coding-DNA position 197, C replaced by T.
Protein change: p.Pro66Leu; replaces proline 66 with leucine.
Molecular consequence: missense variant.
Genome position (GRCh38, 1-based): chr9:98,807,895, C>T. VCF-style: chr9-98807895-C-T. GRCh37 (hg19) VCF-style: chr9-101570177-C-T.
Other names: short protein forms P66L.
Identifiers: ClinVar variation 2561007 (VCV002561007.3), dbSNP rs1281430774, ClinGen allele CA374222506.

ClinVar aggregate classification (germline): Uncertain significance (1 of 4 stars; one submission).

Allele frequency attached by ClinVar (database versions not stated): gnomAD exomes below 0.00001; gnomAD 0.00001.
gnomAD v4.1: 2 of 1,150,504 alleles (0.00017%); highest among the groups gnomAD compares: African/African-American, 0.0016%; no homozygotes.

Submission:

Ambry Genetics
Classification: Uncertain significance. Last evaluated: 2025-05-20. Review status: criteria provided, single submitter. Criteria: Ambry Variant Classification Scheme 2023. Collection method: clinical testing. Allele origin: germline.
Comment: The p.P66L variant (also known as c.197C>T), located in coding exon 1 of the GALNT12 gene, results from a C to T substitution at nucleotide position 197. The proline at codon 66 is replaced by leucine, an amino acid with similar properties. This amino acid position is conserved. In addition, this alteration is predicted to be tolerated by in silico analysis. Since supporting evidence is limited at this time, the clinical significance of this alteration remains unclear.